The following is an entry in ClinVar:

NM_144997.7(FLCN):c.722T>C (p.Leu241Pro)

Gene: FLCN (folliculin; minus strand). Cytogenetic location: 17p11.2.
Variant type: single nucleotide variant.
Coding change: c.722T>C on transcript NM_144997.7 (MANE Select); coding-DNA position 722, T replaced by C.
Protein change: p.Leu241Pro; replaces leucine 241 with proline.
Molecular consequence: missense variant.
Genome position (GRCh38, 1-based): chr17:17,222,558, A>G on the plus strand (T>C on the coding strand, the complement: FLCN is on the minus strand). VCF-style: chr17-17222558-A-G. GRCh37 (hg19) VCF-style: chr17-17125872-A-G.
Other names: c.776T>C, p.Leu259Pro (NM_001353229.2); c.722T>C, p.Leu241Pro (NM_001353230.2, NM_001353231.2, NM_144606.7); short protein forms L241P, L259P.
Identifiers: ClinVar variation 2451822 (VCV002451822.2), dbSNP rs1329575684, ClinGen allele CA398533930.

ClinVar aggregate classification (germline): Uncertain significance (1 of 4 stars; one submission).

Conditions:
Hereditary cancer-predisposing syndrome. Also called: Neoplastic Syndromes, Hereditary; Tumor predisposition; Hereditary neoplastic syndrome; Hereditary Cancer Syndrome. Identifiers: Orphanet 140162, MedGen C0027672, MeSH D009386, MONDO:0015356.

Allele frequency attached by ClinVar (database versions not stated): gnomAD exomes below 0.00001.
gnomAD v4.1: 1 of 1,614,256 alleles (0.000062%); highest among the groups gnomAD compares: Admixed American, 0.0017%; no homozygotes.

Submission:

Ambry Genetics
Classification: Uncertain significance for Hereditary cancer-predisposing syndrome. Last evaluated: 2022-12-12. Review status: criteria provided, single submitter. Criteria: Ambry Variant Classification Scheme 2023. Collection method: clinical testing. Allele origin: germline.
Comment: The p.L241P variant (also known as c.722T>C), located in coding exon 4 of the FLCN gene, results from a T to C substitution at nucleotide position 722. The leucine at codon 241 is replaced by proline, an amino acid with similar properties. This amino acid position is highly conserved in available vertebrate species. In addition, this alteration is predicted to be deleterious by in silico analysis. Since supporting evidence is limited at this time, the clinical significance of this alteration remains unclear.